The following is an entry in ClinVar:

ClinVar aggregate classification (germline): Uncertain significance. Review status: criteria provided, multiple submitters, no conflicts (2 of 4 stars). 4 submissions from 4 submitters: Uncertain significance (3). 1 of the submissions does not count toward it. Last evaluated 2024-12-23.

Conditions:
Inborn genetic diseases. Identifiers: MedGen C0950123, MeSH D030342.
Fanconi anemia (FA). Also called: Fanconi's anemia. Identifiers: Orphanet 84, MedGen C0015625, MeSH D005199, MONDO:0019391.
Fanconi anemia complementation group G. Also called: Fanconi anemia group G; FANCG-Related Fanconi Anemia. Identifiers: Orphanet 84, MedGen C3469527, MONDO:0013565, OMIM 614082.

Allele frequency attached by ClinVar (database versions not stated): gnomAD 0.00001 and 0.00002; ExAC 0.00002; TOPMed 0.00002; gnomAD exomes 0.00003.
gnomAD v4.1: 36 of 1,613,612 alleles (0.0022%); highest among the groups gnomAD compares: South Asian, 0.021%; no homozygotes.

Submissions (4):

Ambry Genetics
Classification: Uncertain significance for Inborn genetic diseases. Last evaluated: 2024-12-23. Review status: criteria provided, single submitter. Criteria: Ambry Variant Classification Scheme 2023. Collection method: clinical testing. Allele origin: germline.
Comment: The p.R423H variant (also known as c.1268G>A), located in coding exon 10 of the FANCG gene, results from a G to A substitution at nucleotide position 1268. The arginine at codon 423 is replaced by histidine, an amino acid with highly similar properties. This amino acid position is conserved. In addition, this alteration is predicted to be tolerated by in silico analysis. Based on the available evidence, the clinical significance of this variant remains unclear.

Blueprint Genetics
Classification: Uncertain significance. Last evaluated: 2023-09-07. Review status: criteria provided, single submitter. Criteria: ACMG Guidelines, 2015. Collection method: clinical testing. Allele origin: germline.

Labcorp Genetics (formerly Invitae), Labcorp
Classification: Uncertain significance for Fanconi anemia. Last evaluated: 2022-06-20. Review status: criteria provided, single submitter. Criteria: Invitae Variant Classification Sherloc (09022015). Collection method: clinical testing. Allele origin: germline.
Comment: This sequence change replaces arginine, which is basic and polar, with histidine, which is basic and polar, at codon 423 of the FANCG protein (p.Arg423His). This variant is present in population databases (rs757276792, gnomAD 0.02%). This variant has not been reported in the literature in individuals affected with FANCG-related conditions. ClinVar contains an entry for this variant (Variation ID: 456228). Algorithms developed to predict the effect of missense changes on protein structure and function are either unavailable or do not agree on the potential impact of this missense change (SIFT: "Deleterious"; PolyPhen-2: "Benign"; Align-GVGD: "Class C0"). In summary, the available evidence is currently insufficient to determine the role of this variant in disease. Therefore, it has been classified as a Variant of Uncertain Significance.

Natera, Inc.
Classification: Uncertain significance for Fanconi anemia group G. Last evaluated: 2019-10-28. Review status: no assertion criteria provided. Collection method: clinical testing. Allele origin: germline. Not counted in ClinVar's aggregate classification.

NM_004629.2(FANCG):c.1268G>A (p.Arg423His)

Gene: FANCG (FA complementation group G; minus strand). Cytogenetic location: 9p13.3.
Variant type: single nucleotide variant.
Coding change: c.1268G>A on transcript NM_004629.2 (MANE Select); coding-DNA position 1268, G replaced by A.
Protein change: p.Arg423His; replaces arginine 423 with histidine.
Molecular consequence: missense variant.
Genome position (GRCh38, 1-based): chr9:35,075,630, C>T on the plus strand (G>A on the coding strand, the complement: FANCG is on the minus strand). VCF-style: chr9-35075630-C-T. GRCh37 (hg19) VCF-style: chr9-35075627-C-T.
Other names: short protein forms R423H.
Identifiers: ClinVar variation 456228 (VCV000456228.11), dbSNP rs757276792, ClinGen allele CA5039785.